The following is an entry in ClinVar:

NM_000209.4(PDX1):c.407-68G>T

Gene: PDX1 (pancreatic and duodenal homeobox 1; plus strand). Cytogenetic location: 13q12.2.
Variant type: single nucleotide variant.
Coding change: c.407-68G>T on transcript NM_000209.4 (MANE Select); 68 bases into the intron before coding-DNA position 407, G replaced by T.
Molecular consequence: intron variant.
Genome position (GRCh38, 1-based): chr13:27,924,188, G>T. VCF-style: chr13-27924188-G-T. GRCh37 (hg19) VCF-style: chr13-28498325-G-T.
Identifiers: ClinVar variation 673553 (VCV000673553.2), dbSNP rs75034644, ClinGen allele CA247265148.

ClinVar aggregate classification (germline): Benign. Review status: criteria provided, multiple submitters, no conflicts (2 of 4 stars). 2 submissions from 2 submitters: Benign (2). Last evaluated 2018-06-14.

Allele frequency attached by ClinVar (database versions not stated): 1000 Genomes Project 30x 0.11587; TOPMed 0.11611; 1000 Genomes Project 0.12121; gnomAD 0.12378 and 0.12738.

Submissions (2):

GeneDx
Classification: Benign. Last evaluated: 2018-06-14. Review status: criteria provided, single submitter. Criteria: GeneDx Variant Classification (06012015). Collection method: clinical testing. Allele origin: germline. Affected: yes.
Comment: This variant is considered likely benign or benign based on one or more of the following criteria: it is a conservative change, it occurs at a poorly conserved position in the protein, it is predicted to be benign by multiple in silico algorithms, and/or has population frequency not consistent with disease.

Breakthrough Genomics
Classification: Benign. Review status: criteria provided, single submitter. Criteria: ACMG Guidelines, 2015. Collection method: not provided. Allele origin: germline. Inheritance: Autosomal recessive inheritance. Affected: yes.